The following is an entry in ClinVar:

ClinVar aggregate classification (germline): Benign/Likely benign. Review status: criteria provided, multiple submitters, no conflicts (2 of 4 stars). 4 submissions from 4 submitters: Benign (2); Likely benign (1). 1 of the submissions does not count toward it. Last evaluated 2026-01-05.

Conditions:
HMCN1-related disorder. Also called: HMCN1-related condition.
Age related macular degeneration 1 (ARMD1). Also called: MACULOPATHY, AGE-RELATED, 1. Identifiers: MedGen C1864205, MONDO:0011285, OMIM 603075.

Allele frequency attached by ClinVar (database versions not stated): 1000 Genomes Project 30x 0.00031; 1000 Genomes Project 0.00040; gnomAD exomes 0.00041 and 0.00085; ESP Exome Variant Server 0.00062; ExAC 0.00064; gnomAD 0.00068 and 0.00070; TOPMed 0.00071.
gnomAD v4.1: 761 of 1,613,434 alleles (0.047%); highest among the groups gnomAD compares: Admixed American, 0.058%; 3 homozygotes.

Submissions (4):

Labcorp Genetics (formerly Invitae), Labcorp
Classification: Benign. Last evaluated: 2026-01-05. Review status: criteria provided, single submitter. Criteria: Invitae Variant Classification Sherloc (09022015). Collection method: clinical testing. Allele origin: germline.

Genome-Nilou Lab
Classification: Benign for Age related macular degeneration 1. Last evaluated: 2023-04-11. Review status: criteria provided, single submitter. Criteria: ACMG Guidelines, 2015. Collection method: clinical testing. Allele origin: germline. Affected: no.

Illumina Laboratory Services, Illumina
Classification: Likely benign for Age related macular degeneration 1. Last evaluated: 2018-01-12. Review status: criteria provided, single submitter. Criteria: ICSL Variant Classification Criteria 13 December 2019. Collection method: clinical testing. Allele origin: germline.
Comment: This variant was observed in the ICSL laboratory as part of a predisposition screen in an ostensibly healthy population. It had not been previously curated by ICSL or reported in the Human Gene Mutation Database (HGMD: prior to June 1st, 2018), and was therefore a candidate for classification through an automated scoring system. Utilizing variant allele frequency, disease prevalence and penetrance estimates, and inheritance mode, an automated score was calculated to assess if this variant is too frequent to cause the disease. Based on the score and internal cut-off values, a variant classified as likely benign is not then subjected to further curation. The score for this variant resulted in a classification of likely benign for this disease.

PreventionGenetics, part of Exact Sciences
Classification: Benign for HMCN1-related condition. Last evaluated: 2019-06-05. Review status: no assertion criteria provided. Collection method: clinical testing. Allele origin: germline. Not counted in ClinVar's aggregate classification.
Comment: This variant is classified as benign based on ACMG/AMP sequence variant interpretation guidelines (Richards et al. 2015 PMID: 25741868, with internal and published modifications).

NM_031935.3(HMCN1):c.16731T>C (p.Thr5577=)

Gene: HMCN1 (hemicentin 1; plus strand). Cytogenetic location: 1q31.1.
Variant type: single nucleotide variant.
Coding change: c.16731T>C on transcript NM_031935.3 (MANE Select); coding-DNA position 16731, T replaced by C.
Protein change: p.Thr5577=; no amino-acid change (threonine 5577 retained).
Molecular consequence: synonymous variant.
Genome position (GRCh38, 1-based): chr1:186,189,701, T>C. VCF-style: chr1-186189701-T-C. GRCh37 (hg19) VCF-style: chr1-186158833-T-C.
Identifiers: ClinVar variation 294310 (VCV000294310.15), dbSNP rs146867591, ClinGen allele CA1295639.